The following is an entry in ClinVar:

NM_020821.3(VPS13C):c.4394C>T (p.Thr1465Ile)

Gene: VPS13C (vacuolar protein sorting 13 homolog C; minus strand). Cytogenetic location: 15q22.2.
Variant type: single nucleotide variant.
Coding change: c.4394C>T on transcript NM_020821.3 (MANE Select); coding-DNA position 4394, C replaced by T.
Protein change: p.Thr1465Ile; replaces threonine 1465 with isoleucine.
Molecular consequence: missense variant.
Genome position (GRCh38, 1-based): chr15:61,951,886, G>A on the plus strand (C>T on the coding strand, the complement: VPS13C is on the minus strand). VCF-style: chr15-61951886-G-A. GRCh37 (hg19) VCF-style: chr15-62244085-G-A.
Other names: c.4394C>T, p.Thr1465Ile (NM_001018088.3); c.4265C>T, p.Thr1422Ile (NM_017684.5, NM_018080.4); short protein forms T1422I, T1465I.
Identifiers: ClinVar variation 3360690 (VCV003360690.1).

ClinVar aggregate classification (germline): Uncertain significance (1 of 4 stars; one submission).

gnomAD v4.1: 2 of 1,613,714 alleles (0.00012%); highest among the groups gnomAD compares: African/African-American, 0.0013%; no homozygotes.

Submission:

GeneDx
Classification: Uncertain significance. Last evaluated: 2023-07-04. Review status: criteria provided, single submitter. Criteria: GeneDx Variant Classification Process June 2021. Collection method: clinical testing. Allele origin: germline. Affected: yes.
Comment: Not observed at significant frequency in large population cohorts (gnomAD); In silico analysis supports that this missense variant has a deleterious effect on protein structure/function; Has not been previously published as pathogenic or benign to our knowledge